The following is an entry in ClinVar:

NM_000443.4(ABCB4):c.1987T>C (p.Phe663Leu)

Gene: ABCB4 (ATP binding cassette subfamily B member 4; minus strand). Cytogenetic location: 7q21.12.
Variant type: single nucleotide variant.
Coding change: c.1987T>C on transcript NM_000443.4 (MANE Select); coding-DNA position 1987, T replaced by C.
Protein change: p.Phe663Leu; replaces phenylalanine 663 with leucine.
Molecular consequence: missense variant.
Genome position (GRCh38, 1-based): chr7:87,426,827, A>G on the plus strand (T>C on the coding strand, the complement: ABCB4 is on the minus strand). VCF-style: chr7-87426827-A-G. GRCh37 (hg19) VCF-style: chr7-87056143-A-G.
Other names: c.1987T>C, p.Phe663Leu (NM_018849.3, NM_018850.3); short protein forms F663L.
Identifiers: ClinVar variation 2506611 (VCV002506611.1), dbSNP rs2546797159, ClinGen allele CA368032251.

ClinVar aggregate classification (germline): Uncertain significance (1 of 4 stars; one submission).

Submission:

GeneDx
Classification: Uncertain significance. Last evaluated: 2022-12-21. Review status: criteria provided, single submitter. Criteria: GeneDx Variant Classification Process June 2021. Collection method: clinical testing. Allele origin: germline. Affected: yes.
Comment: Not observed at significant frequency in large population cohorts (gnomAD); In silico analysis supports that this missense variant does not alter protein structure/function; Has not been previously published as pathogenic or benign to our knowledge